The following is an entry in ClinVar:

NM_006302.3(MOGS):c.821C>T (p.Thr274Ile)

Gene: MOGS (mannosyl-oligosaccharide glucosidase; minus strand). Cytogenetic location: 2p13.1.
Variant type: single nucleotide variant.
Coding change: c.821C>T on transcript NM_006302.3 (MANE Select); coding-DNA position 821, C replaced by T.
Protein change: p.Thr274Ile; replaces threonine 274 with isoleucine.
Molecular consequence: missense variant.
Genome position (GRCh38, 1-based): chr2:74,462,968, G>A on the plus strand (C>T on the coding strand, the complement: MOGS is on the minus strand). VCF-style: chr2-74462968-G-A. GRCh37 (hg19) VCF-style: chr2-74690095-G-A.
Other names: c.503C>T, p.Thr168Ile (NM_001146158.2); short protein forms T168I, T274I.
Identifiers: ClinVar variation 1450426 (VCV001450426.5), dbSNP rs1350968740, ClinGen allele CA347379112.

ClinVar aggregate classification (germline): Uncertain significance (1 of 4 stars; one submission).

Conditions:
MOGS-congenital disorder of glycosylation. Also called: MOGS-CDG; CDG IIb; GLUCOSIDASE I DEFICIENCY; CDG 2B. Identifiers: Orphanet 79330, MedGen C1853736, MONDO:0011629, OMIM 606056.

Allele frequency attached by ClinVar (database versions not stated): gnomAD exomes below 0.00001; gnomAD 0.00001; TOPMed 0.00001.

Submission:

Labcorp Genetics (formerly Invitae), Labcorp
Classification: Uncertain significance for MOGS-congenital disorder of glycosylation. Last evaluated: 2021-09-24. Review status: criteria provided, single submitter. Criteria: Invitae Variant Classification Sherloc (09022015). Collection method: clinical testing. Allele origin: germline.
Comment: This sequence change replaces threonine with isoleucine at codon 274 of the MOGS protein (p.Thr274Ile). The threonine residue is moderately conserved and there is a moderate physicochemical difference between threonine and isoleucine. This variant is not present in population databases (ExAC no frequency). This variant has not been reported in the literature in individuals with MOGS-related conditions. Algorithms developed to predict the effect of missense changes on protein structure and function (SIFT, PolyPhen-2, Align-GVGD) all suggest that this variant is likely to be tolerated, but these predictions have not been confirmed by published functional studies and their clinical significance is uncertain. In summary, the available evidence is currently insufficient to determine the role of this variant in disease. Therefore, it has been classified as a Variant of Uncertain Significance.